The following is an entry in ClinVar:

ClinVar aggregate classification (germline): Uncertain significance (1 of 4 stars; one submission).

Conditions:
Developmental and epileptic encephalopathy, 50 (DEE50). Also called: Epileptic encephalopathy, early infantile, 50. Identifiers: Orphanet 448010, MedGen C4225320, MONDO:0014647, OMIM 616457.

Submission:

OLLIN Analises Genomicas, OLLIN
Classification: Uncertain significance for Developmental and epileptic encephalopathy, 50. Last evaluated: 2026-08-06. Review status: criteria provided, single submitter. Criteria: ACMG Guidelines 2015 PMID 25741868. Collection method: clinical testing. Allele origin: germline. Inheritance: Autosomal recessive inheritance.
Comment: This missense variant, located in exon 38 (of 44), has been observed in gnomAD with an allele frequency of 0.00037%, but has not been reported in ClinVar or identified in the literature. In silico analysis is inconclusive regarding the impact of this variant. This gene is constrained for missense variation. According to the currently available evidence, this variant has been classified as uncertain significance (PM2_P, PP2).

NM_004341.5(CAD):c.5817C>A (p.His1939Gln)

Gene: CAD (carbamoyl-phosphate synthetase 2, aspartate transcarbamylase, and dihydroorotase; plus strand). Cytogenetic location: 2p23.3.
Variant type: single nucleotide variant.
Coding change: c.5817C>A on transcript NM_004341.5 (MANE Select); coding-DNA position 5817, C replaced by A.
Protein change: p.His1939Gln; replaces histidine 1939 with glutamine.
Molecular consequence: missense variant.
Genome position (GRCh38, 1-based): chr2:27,241,330, C>A. VCF-style: chr2-27241330-C-A. GRCh37 (hg19) VCF-style: chr2-27464198-C-A.
Other names: c.5628C>A, p.His1876Gln (NM_001306079.2); short protein forms H1876Q, H1939Q.
Identifiers: ClinVar variation 5003051 (VCV005003051.1).